The following is an entry in ClinVar:

ClinVar aggregate classification (germline): Benign/Likely benign. Review status: criteria provided, multiple submitters, no conflicts (2 of 4 stars). 6 submissions from 6 submitters: Benign (4); Likely benign (2). Last evaluated 2025-12-22.

Conditions:
Hereditary cancer-predisposing syndrome. Also called: Tumor predisposition; Neoplastic Syndromes, Hereditary; Hereditary Cancer Syndrome; Hereditary neoplastic syndrome. Identifiers: Orphanet 140162, MedGen C0027672, MeSH D009386, MONDO:0015356.
Tuberous sclerosis 2 (TSC2). Identifiers: Orphanet 805, MedGen C1860707, MONDO:0013199, OMIM 613254.

Allele frequency attached by ClinVar (database versions not stated): ExAC 0.00001; gnomAD 0.00001 and 0.00003; TOPMed 0.00001; gnomAD exomes 0.00002.
gnomAD v4.1: 40 of 1,613,888 alleles (0.0025%); highest among the groups gnomAD compares: South Asian, 0.021%; 2 homozygotes.

Submissions (6):

Labcorp Genetics (formerly Invitae), Labcorp
Classification: Benign for Tuberous sclerosis 2. Last evaluated: 2025-12-22. Review status: criteria provided, single submitter. Criteria: Invitae Variant Classification Sherloc (09022015). Collection method: clinical testing. Allele origin: germline.

Myriad Genetics, Inc.
Classification: Benign for Tuberous sclerosis 2. Last evaluated: 2025-05-14. Review status: criteria provided, single submitter. Criteria: Myriad Autosomal Dominant, Autosomal Recessive and X-Linked Classification Criteria (2023). Collection method: clinical testing. Allele origin: unknown.
Comment: This variant is considered benign. This variant is a silent/synonymous amino acid change and it is not expected to impact splicing.

KCCC/NGS Laboratory, Kuwait Cancer Control Center
Classification: Benign for Tuberous sclerosis 2. Last evaluated: 2025-02-01. Review status: criteria provided, single submitter. Criteria: ACMG Guidelines, 2015. Collection method: clinical testing. Allele origin: germline. Affected: no.

Genome-Nilou Lab
Classification: Benign for Tuberous sclerosis 2. Last evaluated: 2021-11-07. Review status: criteria provided, single submitter. Criteria: ACMG Guidelines, 2015. Collection method: clinical testing. Allele origin: germline. Affected: no.

GeneDx
Classification: Likely benign. Last evaluated: 2017-01-16. Review status: criteria provided, single submitter. Criteria: GeneDx Variant Classification (06012015). Collection method: clinical testing. Allele origin: germline. Affected: yes.
Comment: This variant is considered likely benign or benign based on one or more of the following criteria: it is a conservative change, it occurs at a poorly conserved position in the protein, it is predicted to be benign by multiple in silico algorithms, and/or has population frequency not consistent with disease.

Ambry Genetics
Classification: Likely benign for Hereditary cancer-predisposing syndrome. Last evaluated: 2016-10-05. Review status: criteria provided, single submitter. Criteria: Ambry Variant Classification Scheme 2023. Collection method: clinical testing. Allele origin: germline.

NM_000548.5(TSC2):c.1473G>A (p.Ser491=)

Gene: TSC2 (TSC complex subunit 2; plus strand). Cytogenetic location: 16p13.3.
Variant type: single nucleotide variant.
Coding change: c.1473G>A on transcript NM_000548.5 (MANE Select); coding-DNA position 1473, G replaced by A.
Protein change: p.Ser491=; no amino-acid change (serine 491 retained).
Molecular consequence: synonymous variant.
Genome position (GRCh38, 1-based): chr16:2,064,301, G>A. VCF-style: chr16-2064301-G-A. GRCh37 (hg19) VCF-style: chr16-2114302-G-A.
Other names: c.1473G>A (NM_000548.4); c.1473G>A, p.Ser491= (NM_001077183.3, NM_001114382.3, NM_001363528.2 and 3 more transcripts); c.1362G>A, p.Ser454= (NM_001318827.2); c.1326G>A, p.Ser442= (NM_001318829.2); c.873G>A, p.Ser291= (NM_001318831.2); c.1506G>A, p.Ser502= (NM_001318832.2).
Identifiers: ClinVar variation 392976 (VCV000392976.20), dbSNP rs764767361, ClinGen allele CA030781.
Genomic context (GRCh38, chr16:2,064,301, plus strand): 5'-GCGCTCATTGGCCTCCCTTGTGCCTGTGCAGGAGGAGCTGATTAACTCAGTGGTCATCTC[G>A]CAGCTCTCCCACATCCCCGAGGATAAAGACCACCAGGTCCGAAAGCTGGCCACCCAGTTG-3'
Protein context (NP_000539.2, residues 481-501): EEELINSVVI[Ser491=]QLSHIPEDKD